The following is an entry in ClinVar:

NM_000064.4(C3):c.4529T>G (p.Leu1510Arg)

Gene: C3 (complement C3; minus strand). Cytogenetic location: 19p13.3.
Variant type: single nucleotide variant.
Coding change: c.4529T>G on transcript NM_000064.4 (MANE Select); coding-DNA position 4529, T replaced by G.
Protein change: p.Leu1510Arg; replaces leucine 1510 with arginine.
Molecular consequence: missense variant.
Genome position (GRCh38, 1-based): chr19:6,679,424, A>C on the plus strand (T>G on the coding strand, the complement: C3 is on the minus strand). VCF-style: chr19-6679424-A-C. GRCh37 (hg19) VCF-style: chr19-6679435-A-C.
Other names: p.Leu1510Arg; short protein forms L1510R.
Identifiers: ClinVar variation 4542288 (VCV004542288.1).
Genomic context (GRCh38, chr19:6,679,424, plus strand): 5'-TGGCTTGCTCAGACCCACCTGTTCCCGGCTCCAGGGAACTCACCCTCAGCACAGCGGCAC[A>C]GTTCATCACGGCAGAGCTTGTTCAGCTTTCCATCCTCCTTTTCCGGATGGTAGAACCGGG-3'
Protein context (NP_000055.2, residues 1500-1520): GKLNKLCRDE[Leu1510Arg]CRCAEENCFI

ClinVar aggregate classification (germline): Uncertain significance (1 of 4 stars; one submission).

gnomAD v4.1: 1 of 1,613,738 alleles (0.000062%); highest among the groups gnomAD compares: Non-Finnish European, 0.000085%; no homozygotes.

Submission:

Mayo Clinic Laboratories, Mayo Clinic
Classification: Uncertain significance. Last evaluated: 2025-11-16. Review status: criteria provided, single submitter. Criteria: ACMG Guidelines, 2015. Collection method: clinical testing. Allele origin: germline. Observed: 1 variant allele.
Comment: BP4_moderate, PM2_supporting